The following is an entry in ClinVar:

NM_017849.4(TMEM127):c.430A>T (p.Ile144Phe)

Gene: TMEM127 (transmembrane protein 127; minus strand). Cytogenetic location: 2q11.2.
Variant type: single nucleotide variant.
Coding change: c.430A>T on transcript NM_017849.4 (MANE Select); coding-DNA position 430, A replaced by T.
Protein change: p.Ile144Phe; replaces isoleucine 144 with phenylalanine.
Molecular consequence: missense variant.
Genome position (GRCh38, 1-based): chr2:96,254,095, T>A on the plus strand (A>T on the coding strand, the complement: TMEM127 is on the minus strand). VCF-style: chr2-96254095-T-A. GRCh37 (hg19) VCF-style: chr2-96919833-T-A.
Other names: c.430A>T, p.Ile144Phe (NM_001193304.3); short protein forms I144F.
Identifiers: ClinVar variation 463848 (VCV000463848.11), dbSNP rs896909534, ClinGen allele CA52412220.

ClinVar aggregate classification (germline): Uncertain significance. Review status: criteria provided, multiple submitters, no conflicts (2 of 4 stars). 2 submissions from 2 submitters: Uncertain significance (2). Last evaluated 2025-08-20.

Conditions:
Hereditary cancer-predisposing syndrome. Also called: Neoplastic Syndromes, Hereditary; Hereditary neoplastic syndrome; Tumor predisposition; Hereditary Cancer Syndrome. Identifiers: Orphanet 140162, MedGen C0027672, MeSH D009386, MONDO:0015356.
Hereditary pheochromocytoma and paraganglioma. Also called: Hereditary Paraganglioma-Pheochromocytoma Syndromes; Hereditary paragangliomas and pheochromocytomas; Hereditary pheochromocytoma-paraganglioma. Identifiers: Orphanet 29072, MedGen C4274332, MONDO:0017366.

Allele frequency attached by ClinVar (database versions not stated): gnomAD exomes below 0.00001; TOPMed below 0.00001.
gnomAD v4.1: 3 of 1,614,052 alleles (0.00019%); highest among the groups gnomAD compares: Non-Finnish European, 0.00025%; no homozygotes.

Submissions (2):

Ambry Genetics
Classification: Uncertain significance for Hereditary cancer-predisposing syndrome. Last evaluated: 2025-08-20. Review status: criteria provided, single submitter. Criteria: Ambry Variant Classification Scheme 2023. Collection method: clinical testing. Allele origin: germline.
Comment: The p.I144F variant (also known as c.430A>T), located in coding exon 3 of the TMEM127 gene, results from an A to T substitution at nucleotide position 430. The isoleucine at codon 144 is replaced by phenylalanine, an amino acid with highly similar properties. This amino acid position is conserved. In addition, this alteration is predicted to be deleterious by in silico analysis. Since supporting evidence is limited at this time, the clinical significance of this alteration remains unclear.

Labcorp Genetics (formerly Invitae), Labcorp
Classification: Uncertain significance for Hereditary pheochromocytoma and paraganglioma. Last evaluated: 2022-12-20. Review status: criteria provided, single submitter. Criteria: Invitae Variant Classification Sherloc (09022015). Collection method: clinical testing. Allele origin: germline.
Comment: In summary, the available evidence is currently insufficient to determine the role of this variant in disease. Therefore, it has been classified as a Variant of Uncertain Significance. Algorithms developed to predict the effect of missense changes on protein structure and function are either unavailable or do not agree on the potential impact of this missense change (SIFT: "Deleterious"; PolyPhen-2: "Benign"; Align-GVGD: "Class C15"). ClinVar contains an entry for this variant (Variation ID: 463848). This variant has not been reported in the literature in individuals affected with TMEM127-related conditions. This variant is not present in population databases (gnomAD no frequency). This sequence change replaces isoleucine, which is neutral and non-polar, with phenylalanine, which is neutral and non-polar, at codon 144 of the TMEM127 protein (p.Ile144Phe).